The following is an entry in ClinVar:

NM_001003787.4(STRADA):c.953T>C (p.Val318Ala)

Gene: STRADA (STE20 related adaptor alpha; minus strand). Cytogenetic location: 17q23.3.
Variant type: single nucleotide variant.
Coding change: c.953T>C on transcript NM_001003787.4 (MANE Select); coding-DNA position 953, T replaced by C.
Protein change: p.Val318Ala; replaces valine 318 with alanine.
Molecular consequence: missense variant. On other transcripts: non-coding transcript variant (1).
Genome position (GRCh38, 1-based): chr17:63,704,488, A>G on the plus strand (T>C on the coding strand, the complement: STRADA is on the minus strand). VCF-style: chr17-63704488-A-G. GRCh37 (hg19) VCF-style: chr17-61781848-A-G.
Other names: c.842T>C, p.Val281Ala (NM_001003786.3, NM_001363789.1, NM_153335.6); c.779T>C, p.Val260Ala (NM_001003788.3, NM_001363790.1, NM_001363791.1); c.866T>C, p.Val289Ala (NM_001165969.2, NM_001363787.1); c.821T>C, p.Val274Ala (NM_001165970.2); c.929T>C, p.Val310Ala (NM_001363786.1); c.953T>C, p.Val318Ala (NM_001363788.1); short protein forms V318A, V274A, V310A, V260A, V281A, V289A.
Identifiers: ClinVar variation 573974 (VCV000573974.4), dbSNP rs1054346791, ClinGen allele CA292941244.

ClinVar aggregate classification (germline): Uncertain significance (1 of 4 stars; one submission).

Conditions:
Polyhydramnios, megalencephaly, and symptomatic epilepsy (PMSE). Also called: PMSE SYNDROME. Identifiers: Orphanet 500533, MedGen C1970203, MONDO:0012611, OMIM 611087.

Allele frequency attached by ClinVar (database versions not stated): gnomAD exomes below 0.00001; TOPMed 0.00002; gnomAD 0.00005.
gnomAD v4.1: 10 of 1,612,780 alleles (0.00062%); highest among the groups gnomAD compares: African/African-American, 0.012%; no homozygotes.

Submission:

Labcorp Genetics (formerly Invitae), Labcorp
Classification: Uncertain significance for Polyhydramnios, megalencephaly, and symptomatic epilepsy. Last evaluated: 2022-05-06. Review status: criteria provided, single submitter. Criteria: Invitae Variant Classification Sherloc (09022015). Collection method: clinical testing. Allele origin: germline.
Comment: This sequence change replaces valine, which is neutral and non-polar, with alanine, which is neutral and non-polar, at codon 318 of the STRADA protein (p.Val318Ala). This variant is present in population databases (no rsID available, gnomAD 0.01%). This variant has not been reported in the literature in individuals affected with STRADA-related conditions. ClinVar contains an entry for this variant (Variation ID: 573974). Algorithms developed to predict the effect of missense changes on protein structure and function output the following: SIFT: "Tolerated"; PolyPhen-2: "Benign"; Align-GVGD: "Class C0". The alanine amino acid residue is found in multiple mammalian species, which suggests that this missense change does not adversely affect protein function. In summary, the available evidence is currently insufficient to determine the role of this variant in disease. Therefore, it has been classified as a Variant of Uncertain Significance.